The following is an entry in ClinVar:

NM_000376.3(VDR):c.824C>T (p.Ser275Phe)

Gene: VDR (vitamin D receptor; minus strand). Cytogenetic location: 12q13.11.
Variant type: single nucleotide variant.
Coding change: c.824C>T on transcript NM_000376.3 (MANE Select); coding-DNA position 824, C replaced by T.
Protein change: p.Ser275Phe; replaces serine 275 with phenylalanine.
Molecular consequence: missense variant.
Genome position (GRCh38, 1-based): chr12:47,846,740, G>A on the plus strand (C>T on the coding strand, the complement: VDR is on the minus strand). VCF-style: chr12-47846740-G-A. GRCh37 (hg19) VCF-style: chr12-48240523-G-A.
Other names: c.824C>T, p.Ser275Phe (NM_001017535.2, NM_001364085.2, NM_001374661.1 and 1 more transcripts); c.974C>T, p.Ser325Phe (NM_001017536.2); short protein forms S325F, S275F.
Identifiers: ClinVar variation 2067557 (VCV002067557.4), dbSNP rs2539969325, ClinGen allele CA384516566.
Genomic context (GRCh38, chr12:47,846,740, plus strand): 5'-TACTTGTAGTCTTGGTTGCCACAGGTCCAGGACATGTCGTCCATGGTGAAGGACTCATTG[G>A]AGCGCAACATGATGACCTCAATGGCACTTGACTTCAGCAGTACGATCTGGTCCTCAGAGG-3'
Protein context (NP_000367.1, residues 265-285): SSAIEVIMLR[Ser275Phe]NESFTMDDMS

ClinVar aggregate classification (germline): Uncertain significance (1 of 4 stars; one submission).

Submission:

Labcorp Genetics (formerly Invitae), Labcorp
Classification: Uncertain significance. Last evaluated: 2022-01-11. Review status: criteria provided, single submitter. Criteria: Invitae Variant Classification Sherloc (09022015). Collection method: clinical testing. Allele origin: germline.
Comment: In summary, the available evidence is currently insufficient to determine the role of this variant in disease. Therefore, it has been classified as a Variant of Uncertain Significance. This sequence change replaces serine, which is neutral and polar, with phenylalanine, which is neutral and non-polar, at codon 275 of the VDR protein (p.Ser275Phe). This variant is not present in population databases (gnomAD no frequency). This variant has not been reported in the literature in individuals affected with VDR-related conditions. Algorithms developed to predict the effect of missense changes on protein structure and function are either unavailable or do not agree on the potential impact of this missense change (SIFT: "Deleterious"; PolyPhen-2: "Probably Damaging"; Align-GVGD: "Class C0").